The following is an entry in ClinVar:

ClinVar aggregate classification (germline): Uncertain significance (1 of 4 stars; one submission).

Conditions:
Brugada syndrome 8 (BRGDA8). Identifiers: Orphanet 130, MedGen C2751083, MONDO:0013148, OMIM 613123.

Submission:

Labcorp Genetics (formerly Invitae), Labcorp
Classification: Uncertain significance for Brugada syndrome 8. Last evaluated: 2019-02-08. Review status: criteria provided, single submitter. Criteria: Invitae Variant Classification Sherloc (09022015). Collection method: clinical testing. Allele origin: germline.
Comment: This sequence change replaces tyrosine with cysteine at codon 657 of the HCN4 protein (p.Tyr657Cys). The tyrosine residue is highly conserved and there is a large physicochemical difference between tyrosine and cysteine. This variant is not present in population databases (ExAC no frequency). This variant has not been reported in the literature in individuals with HCN4-related conditions. In summary, the available evidence is currently insufficient to determine the role of this variant in disease. Therefore, it has been classified as a Variant of Uncertain Significance.

NM_005477.3(HCN4):c.1970A>G (p.Tyr657Cys)

Gene: HCN4 (hyperpolarization activated cyclic nucleotide gated potassium channel 4; minus strand). Cytogenetic location: 15q24.1.
Variant type: single nucleotide variant.
Coding change: c.1970A>G on transcript NM_005477.3 (MANE Select); coding-DNA position 1970, A replaced by G.
Protein change: p.Tyr657Cys; replaces tyrosine 657 with cysteine.
Molecular consequence: missense variant.
Genome position (GRCh38, 1-based): chr15:73,324,963, T>C on the plus strand (A>G on the coding strand, the complement: HCN4 is on the minus strand). VCF-style: chr15-73324963-T-C. GRCh37 (hg19) VCF-style: chr15-73617304-T-C.
Other names: short protein forms Y657C.
Identifiers: ClinVar variation 852521 (VCV000852521.9), dbSNP rs2042889743, ClinGen allele CA393090478.